The following is an entry in ClinVar:

ClinVar aggregate classification (germline): Uncertain significance (1 of 4 stars; one submission).

Conditions:
Atrioventricular septal defect 5 (AVSD5). Identifiers: MedGen C3280939, MONDO:0013769, OMIM 614474.

Submission:

Labcorp Genetics (formerly Invitae), Labcorp
Classification: Uncertain significance for Atrioventricular septal defect 5. Last evaluated: 2024-12-15. Review status: criteria provided, single submitter. Criteria: Invitae Variant Classification Sherloc (09022015). Collection method: clinical testing. Allele origin: germline.
Comment: This sequence change replaces threonine, which is neutral and polar, with alanine, which is neutral and non-polar, at codon 537 of the GATA6 protein (p.Thr537Ala). This variant is not present in population databases (gnomAD no frequency). This variant has not been reported in the literature in individuals affected with GATA6-related conditions. Invitae Evidence Modeling of protein sequence and biophysical properties (such as structural, functional, and spatial information, amino acid conservation, physicochemical variation, residue mobility, and thermodynamic stability) indicates that this missense variant is not expected to disrupt GATA6 protein function with a negative predictive value of 80%. In summary, the available evidence is currently insufficient to determine the role of this variant in disease. Therefore, it has been classified as a Variant of Uncertain Significance.

NM_005257.6(GATA6):c.1609A>G (p.Thr537Ala)

Gene: GATA6 (GATA binding protein 6; plus strand). Cytogenetic location: 18q11.2.
Variant type: single nucleotide variant.
Coding change: c.1609A>G on transcript NM_005257.6 (MANE Select); coding-DNA position 1609, A replaced by G.
Protein change: p.Thr537Ala; replaces threonine 537 with alanine.
Molecular consequence: missense variant.
Genome position (GRCh38, 1-based): chr18:22,183,032, A>G. VCF-style: chr18-22183032-A-G. GRCh37 (hg19) VCF-style: chr18-19762993-A-G.
Other names: short protein forms T537A.
Identifiers: ClinVar variation 3687459 (VCV003687459.2).